The following is an entry in ClinVar:

NM_001918.5(DBT):c.14G>A (p.Arg5His)

Gene: DBT (dihydrolipoamide branched chain transacylase E2; minus strand). Cytogenetic location: 1p21.2.
Variant type: single nucleotide variant.
Coding change: c.14G>A on transcript NM_001918.5 (MANE Select); coding-DNA position 14, G replaced by A.
Protein change: p.Arg5His; replaces arginine 5 with histidine.
Molecular consequence: missense variant. On other transcripts: 5 prime UTR variant (2), non-coding transcript variant (4).
Genome position (GRCh38, 1-based): chr1:100,249,807, C>T on the plus strand (G>A on the coding strand, the complement: DBT is on the minus strand). VCF-style: chr1-100249807-C-T. GRCh37 (hg19) VCF-style: chr1-100715363-C-T.
Other names: c.-717G>A (NM_001399969.1); c.-590G>A (NM_001399972.1); short protein forms R5H.
Identifiers: ClinVar variation 1983608 (VCV001983608.1), dbSNP rs761530853, ClinGen allele CA341348469.

ClinVar aggregate classification (germline): Uncertain significance (1 of 4 stars; one submission).

Conditions:
Maple syrup urine disease (MSUD). Identifiers: Orphanet 511, MedGen C0024776, MeSH D008375, MONDO:0009563. Disease mechanism: loss of function.

gnomAD v4.1: 7 of 1,614,134 alleles (0.00043%); highest among the groups gnomAD compares: South Asian, 0.0011%; no homozygotes.

Submission:

Labcorp Genetics (formerly Invitae), Labcorp
Classification: Uncertain significance for Maple syrup urine disease. Last evaluated: 2022-07-10. Review status: criteria provided, single submitter. Criteria: Invitae Variant Classification Sherloc (09022015). Collection method: clinical testing. Allele origin: germline.
Comment: This sequence change replaces arginine, which is basic and polar, with histidine, which is basic and polar, at codon 5 of the DBT protein (p.Arg5His). This variant is not present in population databases (gnomAD no frequency). This variant has not been reported in the literature in individuals affected with DBT-related conditions. Advanced modeling of protein sequence and biophysical properties (such as structural, functional, and spatial information, amino acid conservation, physicochemical variation, residue mobility, and thermodynamic stability) performed at Invitae indicates that this missense variant is not expected to disrupt DBT protein function. In summary, the available evidence is currently insufficient to determine the role of this variant in disease. Therefore, it has been classified as a Variant of Uncertain Significance.